The following is an entry in ClinVar:

NM_022367.4(SEMA4A):c.1210G>A (p.Gly404Arg)

Gene: SEMA4A (semaphorin 4A; plus strand). Cytogenetic location: 1q22.
Variant type: single nucleotide variant.
Coding change: c.1210G>A on transcript NM_022367.4 (MANE Select); coding-DNA position 1210, G replaced by A.
Protein change: p.Gly404Arg; replaces glycine 404 with arginine.
Molecular consequence: missense variant.
Genome position (GRCh38, 1-based): chr1:156,172,901, G>A. VCF-style: chr1-156172901-G-A. GRCh37 (hg19) VCF-style: chr1-156142692-G-A.
Other names: c.1210G>A (NM_022367.3); c.1210G>A, p.Gly404Arg (NM_001193300.2, NM_001193301.2, NM_001370567.1); c.814G>A, p.Gly272Arg (NM_001193302.2); c.913G>A, p.Gly305Arg (NM_001370568.1); c.703G>A, p.Gly235Arg (NM_001370569.1, NM_001370571.1); short protein forms G305R, G272R, G235R, G404R.
Identifiers: ClinVar variation 1462499 (VCV001462499.8), dbSNP rs746603315, ClinGen allele CA1155302.

ClinVar aggregate classification (germline): Uncertain significance. Review status: criteria provided, multiple submitters, no conflicts (2 of 4 stars). 3 submissions from 3 submitters: Uncertain significance (3). Last evaluated 2025-11-03.

Allele frequency attached by ClinVar (database versions not stated): gnomAD 0.00001; TOPMed 0.00002; gnomAD exomes 0.00006; ExAC 0.00008.
gnomAD v4.1: 19 of 1,614,064 alleles (0.0012%); highest among the groups gnomAD compares: Admixed American, 0.032%; no homozygotes.

Submissions (3):

Ambry Genetics
Classification: Uncertain significance. Last evaluated: 2025-11-03. Review status: criteria provided, single submitter. Criteria: Ambry Variant Classification Scheme 2023. Collection method: clinical testing. Allele origin: germline.

Labcorp Genetics (formerly Invitae), Labcorp
Classification: Uncertain significance. Last evaluated: 2025-04-14. Review status: criteria provided, single submitter. Criteria: Invitae Variant Classification Sherloc (09022015). Collection method: clinical testing. Allele origin: germline.
Comment: This sequence change replaces glycine, which is neutral and non-polar, with arginine, which is basic and polar, at codon 404 of the SEMA4A protein (p.Gly404Arg). This variant is present in population databases (rs746603315, gnomAD 0.04%). This variant has not been reported in the literature in individuals affected with SEMA4A-related conditions. ClinVar contains an entry for this variant (Variation ID: 1462499). Invitae Evidence Modeling of protein sequence and biophysical properties (such as structural, functional, and spatial information, amino acid conservation, physicochemical variation, residue mobility, and thermodynamic stability) indicates that this missense variant is not expected to disrupt SEMA4A protein function with a negative predictive value of 80%. In summary, the available evidence is currently insufficient to determine the role of this variant in disease. Therefore, it has been classified as a Variant of Uncertain Significance.

Blueprint Genetics
Classification: Uncertain significance. Last evaluated: 2022-03-21. Review status: criteria provided, single submitter. Criteria: ACMG Guidelines, 2015. Collection method: clinical testing. Allele origin: germline.